The following is an entry in ClinVar:

NM_025144.4(ALPK1):c.439G>A (p.Val147Met)

Gene: ALPK1 (alpha kinase 1; plus strand). Cytogenetic location: 4q25.
Variant type: single nucleotide variant.
Coding change: c.439G>A on transcript NM_025144.4 (MANE Select); coding-DNA position 439, G replaced by A.
Protein change: p.Val147Met; replaces valine 147 with methionine.
Molecular consequence: missense variant.
Genome position (GRCh38, 1-based): chr4:112,411,989, G>A. VCF-style: chr4-112411989-G-A. GRCh37 (hg19) VCF-style: chr4-113333145-G-A.
Other names: c.439G>A, p.Val147Met (NM_001102406.2); c.205G>A, p.Val69Met (NM_001253884.2); short protein forms V147M, V69M.
Identifiers: ClinVar variation 3648703 (VCV003648703.2).

ClinVar aggregate classification (germline): Uncertain significance (1 of 4 stars; one submission).

gnomAD v4.1: 1 of 1,614,140 alleles (0.000062%); highest among the groups gnomAD compares: Non-Finnish European, 0.000085%; no homozygotes.

Submission:

Labcorp Genetics (formerly Invitae), Labcorp
Classification: Uncertain significance. Last evaluated: 2024-07-01. Review status: criteria provided, single submitter. Criteria: Invitae Variant Classification Sherloc (09022015). Collection method: clinical testing. Allele origin: germline.
Comment: This sequence change replaces valine, which is neutral and non-polar, with methionine, which is neutral and non-polar, at codon 147 of the ALPK1 protein (p.Val147Met). This variant is not present in population databases (gnomAD no frequency). This variant has not been reported in the literature in individuals affected with ALPK1-related conditions. Advanced modeling of protein sequence and biophysical properties (such as structural, functional, and spatial information, amino acid conservation, physicochemical variation, residue mobility, and thermodynamic stability) performed at Invitae indicates that this missense variant is expected to disrupt ALPK1 protein function with a positive predictive value of 80%. In summary, the available evidence is currently insufficient to determine the role of this variant in disease. Therefore, it has been classified as a Variant of Uncertain Significance.